The following is an entry in ClinVar:

ClinVar aggregate classification (germline): Uncertain significance (1 of 4 stars; one submission).

Submission:

Labcorp Genetics (formerly Invitae), Labcorp
Classification: Uncertain significance. Last evaluated: 2023-11-18. Review status: criteria provided, single submitter. Criteria: Invitae Variant Classification Sherloc (09022015). Collection method: clinical testing. Allele origin: germline.
Comment: This sequence change replaces tyrosine, which is neutral and polar, with asparagine, which is neutral and polar, at codon 105 of the HMCN1 protein (p.Tyr105Asn). This variant is not present in population databases (gnomAD no frequency). This variant has not been reported in the literature in individuals affected with HMCN1-related conditions. An algorithm developed to predict the effect of missense changes on protein structure and function (PolyPhen-2) suggests that this variant is likely to be disruptive. In summary, the available evidence is currently insufficient to determine the role of this variant in disease. Therefore, it has been classified as a Variant of Uncertain Significance.

NM_031935.3(HMCN1):c.313T>A (p.Tyr105Asn)

Gene: HMCN1 (hemicentin 1; plus strand). Cytogenetic location: 1q31.1.
Variant type: single nucleotide variant.
Coding change: c.313T>A on transcript NM_031935.3 (MANE Select); coding-DNA position 313, T replaced by A.
Protein change: p.Tyr105Asn; replaces tyrosine 105 with asparagine.
Molecular consequence: missense variant.
Genome position (GRCh38, 1-based): chr1:185,846,070, T>A. VCF-style: chr1-185846070-T-A. GRCh37 (hg19) VCF-style: chr1-185815202-T-A.
Other names: short protein forms Y105N.
Identifiers: ClinVar variation 2697161 (VCV002697161.3), dbSNP rs2526770869, ClinGen allele CA344058564.